The following is an entry in ClinVar:

ClinVar aggregate classification (germline): Uncertain significance (1 of 4 stars; one submission).

Conditions:
Developmental and epileptic encephalopathy 92. Also called: EPILEPTIC ENCEPHALOPATHY, INFANTILE OR EARLY CHILDHOOD, 2. Identifiers: MedGen C4693362, MONDO:0020631, OMIM 617829.

Submission:

Diagnostics Services (NGS), CSIR - Centre For Cellular And Molecular Biology
Classification: Uncertain significance for Developmental and epileptic encephalopathy 92. Last evaluated: 2022-06-16. Review status: criteria provided, single submitter. Criteria: ACMG Guidelines, 2015. Collection method: clinical testing. Allele origin: unknown. Affected: yes. Observed: 1 variant allele, 1 heterozygote.
Comment: The c.173C>T variant is not present in publicly available population databases like 1000 Genomes, EVS, gnomAD and Indian Exome Database. The variant is not present in our in-house exome database. The variant was not reported to ClinVar, HGMD and/or OMIM databases in any affected individuals. Predictions from different in-silico pathogenicity prediction programs like SIFT, PolyPhen-2, MutationTaster2, CADD, Varsome etc. are contradictory.

NM_001371727.1(GABRB2):c.173C>T (p.Pro58Leu)

Gene: GABRB2 (gamma-aminobutyric acid type A receptor subunit beta2; minus strand). Cytogenetic location: 5q34.
Variant type: single nucleotide variant.
Coding change: c.173C>T on transcript NM_001371727.1 (MANE Select); coding-DNA position 173, C replaced by T.
Protein change: p.Pro58Leu; replaces proline 58 with leucine.
Molecular consequence: missense variant.
Genome position (GRCh38, 1-based): chr5:161,545,291, G>A on the plus strand (C>T on the coding strand, the complement: GABRB2 is on the minus strand). VCF-style: chr5-161545291-G-A. GRCh37 (hg19) VCF-style: chr5-160972297-G-A.
Other names: c.173C>T, p.Pro58Leu (NM_000813.3, NM_021911.3); short protein forms P58L.
Identifiers: ClinVar variation 1802255 (VCV001802255.3), dbSNP rs2480166730, ClinGen allele CA362172503.